The following is an entry in ClinVar:

ClinVar aggregate classification (germline): Uncertain significance (1 of 4 stars; one submission).

Conditions:
Fanconi anemia complementation group O. Also called: RAD51C-Related Fanconi Anemia. Identifiers: Orphanet 84, MedGen C3150653, MONDO:0013248, OMIM 613390.

Submission:

Labcorp Genetics (formerly Invitae), Labcorp
Classification: Uncertain significance for Fanconi anemia complementation group O. Last evaluated: 2025-10-26. Review status: criteria provided, single submitter. Criteria: Invitae Variant Classification Sherloc (09022015). Collection method: clinical testing. Allele origin: germline.
Comment: This sequence change replaces proline, which is neutral and non-polar, with serine, which is neutral and polar, at codon 299 of the RAD51C protein (p.Pro299Ser). This variant is not present in population databases (gnomAD no frequency). This variant has not been reported in the literature in individuals affected with RAD51C-related conditions. Invitae Evidence Modeling of protein sequence and biophysical properties (such as structural, functional, and spatial information, amino acid conservation, physicochemical variation, residue mobility, and thermodynamic stability) indicates that this missense variant is expected to disrupt RAD51C protein function with a positive predictive value of 80%. In summary, the available evidence is currently insufficient to determine the role of this variant in disease. Therefore, it has been classified as a Variant of Uncertain Significance.

NM_058216.3(RAD51C):c.895C>T (p.Pro299Ser)

Gene: RAD51C (RAD51 paralog C; plus strand). Cytogenetic location: 17q22.
Variant type: single nucleotide variant.
Coding change: c.895C>T on transcript NM_058216.3 (MANE Select); coding-DNA position 895, C replaced by T.
Protein change: p.Pro299Ser; replaces proline 299 with serine.
Molecular consequence: missense variant. On other transcripts: non-coding transcript variant (1).
Genome position (GRCh38, 1-based): chr17:58,720,803, C>T. VCF-style: chr17-58720803-C-T. GRCh37 (hg19) VCF-style: chr17-56798164-C-T.
Other names: short protein forms P299S.
Identifiers: ClinVar variation 4772640 (VCV004772640.1).
Genomic context (GRCh38, chr17:58,720,803, plus strand): 5'-TAGGTAATTTTAACCAATCAGATGACAACAAAGATTGATAGAAATCAGGCCTTGCTTGTT[C>T]CTGCATTAGGTGGGTAATTAATCAGATAAACATTTTAGTTTATCACAGTTTTTCTTATCT-3'
Protein context (NP_478123.1, residues 289-309): KIDRNQALLV[Pro299Ser]ALGESWGHAA